The following is an entry in ClinVar:

NM_004360.5(CDH1):c.1142A>G (p.Lys381Arg)

Gene: CDH1 (cadherin 1; plus strand). Cytogenetic location: 16q22.1.
Variant type: single nucleotide variant.
Coding change: c.1142A>G on transcript NM_004360.5 (MANE Select); coding-DNA position 1142, A replaced by G.
Protein change: p.Lys381Arg; replaces lysine 381 with arginine.
Molecular consequence: missense variant. On other transcripts: 5 prime UTR variant (2), intron variant (1).
Genome position (GRCh38, 1-based): chr16:68,813,317, A>G. VCF-style: chr16-68813317-A-G. GRCh37 (hg19) VCF-style: chr16-68847220-A-G.
Other names: c.1142A>G (LRG_301t1); c.-474A>G (NM_001317185.2); c.-678A>G (NM_001317186.2); c.1137+1054A>G (NM_001317184.2); short protein forms K381R.
Identifiers: ClinVar variation 481676 (VCV000481676.15), dbSNP rs780867132, ClinGen allele CA8130014.

ClinVar aggregate classification (germline): Uncertain significance. Review status: criteria provided, multiple submitters, no conflicts (2 of 4 stars). 3 submissions from 3 submitters: Uncertain significance (3). Last evaluated 2023-06-02.

Conditions:
Hereditary cancer-predisposing syndrome. Also called: Hereditary neoplastic syndrome; Neoplastic Syndromes, Hereditary; Tumor predisposition; Hereditary Cancer Syndrome. Identifiers: Orphanet 140162, MedGen C0027672, MeSH D009386, MONDO:0015356.
Hereditary diffuse gastric adenocarcinoma (HDGC). Also called: DIFFUSE GASTRIC AND LOBULAR BREAST CANCER SYNDROME. Identifiers: Orphanet 26106, MedGen C1708349, MONDO:0007648, OMIM 137215.

Allele frequency attached by ClinVar (database versions not stated): gnomAD exomes below 0.00001; ExAC 0.00001.
gnomAD v4.1: 1 of 1,614,132 alleles (0.000062%); highest among the groups gnomAD compares: Non-Finnish European, 0.000085%; no homozygotes.

Submissions (3):

Labcorp Genetics (formerly Invitae), Labcorp
Classification: Uncertain significance for Hereditary diffuse gastric adenocarcinoma. Last evaluated: 2023-06-02. Review status: criteria provided, single submitter. Criteria: Invitae Variant Classification Sherloc (09022015). Collection method: clinical testing. Allele origin: germline.
Comment: In summary, the available evidence is currently insufficient to determine the role of this variant in disease. Therefore, it has been classified as a Variant of Uncertain Significance. Algorithms developed to predict the effect of sequence changes on RNA splicing suggest that this variant may create or strengthen a splice site. An algorithm developed to predict the effect of missense changes on protein structure and function (PolyPhen-2) suggests that this variant is likely to be tolerated. ClinVar contains an entry for this variant (Variation ID: 481676). This variant has not been reported in the literature in individuals affected with CDH1-related conditions. This variant is present in population databases (rs780867132, gnomAD 0.0009%). This sequence change replaces lysine, which is basic and polar, with arginine, which is basic and polar, at codon 381 of the CDH1 protein (p.Lys381Arg).

Color Diagnostics, LLC DBA Color Health
Classification: Uncertain significance for Hereditary cancer-predisposing syndrome. Last evaluated: 2019-02-27. Review status: criteria provided, single submitter. Criteria: ACMG Guidelines, 2015. Collection method: clinical testing. Allele origin: germline.

Ambry Genetics
Classification: Uncertain significance for Hereditary cancer-predisposing syndrome. Last evaluated: 2016-10-27. Review status: criteria provided, single submitter. Criteria: Ambry Variant Classification Scheme 2023. Collection method: clinical testing. Allele origin: germline.
Comment: The p.K381R variant (also known as c.1142A>G), located in coding exon 9 of the CDH1 gene, results from an A to G substitution at nucleotide position 1142. The lysine at codon 381 is replaced by arginine, an amino acid with highly similar properties. This variant was not reported in population based cohorts in the following databases: Database of Single Nucleotide Polymorphisms (dbSNP), NHLBI Exome Sequencing Project (ESP), and 1000 Genomes Project. In the ESP, this variant was not observed in 6498 samples (12996 alleles) with coverage at this position. To date, this alteration has been detected with an allele frequency of approximately 0.0008% (greater than 240000 alleles tested) in our clinical cohort. This amino acid position is poorly conserved in available vertebrate species. In addition, this alteration is predicted to be tolerated by in silico analysis. Since supporting evidence is limited at this time, the clinical significance of this alteration remains unclear.